The following is an entry in ClinVar:

ClinVar aggregate classification (germline): Pathogenic (1 of 4 stars; one submission).

Submission:

Athena Diagnostics
Classification: Pathogenic. Last evaluated: 2023-02-21. Review status: criteria provided, single submitter. Criteria: Athena Diagnostics Criteria. Collection method: clinical testing. Allele origin: unknown.
Comment: This variant is expected to result in the loss of a functional protein. This variant has been identified in at least one individual with clinical features associated with this gene. This variant has not been reported in large, multi-ethnic general populations.

NM_001371279.1(REEP1):c.161del (p.Phe54fs)

Gene: REEP1 (receptor accessory protein 1; minus strand). Cytogenetic location: 2p11.2.
Variant type: Deletion.
Coding change: c.161del on transcript NM_001371279.1 (MANE Select); coding-DNA position 161, one base deleted (T; older notation c.161delT).
Protein change: p.Phe54fs; shifts the reading frame from phenylalanine 54.
Molecular consequence: frameshift variant.
Genome position (GRCh38, 1-based): chr2:86,263,986, A deleted on the plus strand (T on the coding strand, the reverse complement: REEP1 is on the minus strand); the first of 2 consecutive A bases (chr2:86,263,986-86,263,987); deleting either gives the same sequence. VCF-style (leftmost placement, unchanged base first): chr2-86263985-GA-G. GRCh37 (hg19) VCF-style: chr2-86491108-GA-G.
Other names: c.182del, p.Phe61fs (NM_001164730.2); c.80del, p.Phe27fs (NM_001164731.2); c.161del, p.Phe54fs (NM_001164732.2, NM_001371280.1, NM_001410855.1 and 2 more transcripts); c.160delT, p.Phe54Serfs (NM_022912.2); short protein forms F27fs, F54fs, F61fs.
Identifiers: ClinVar variation 2684009 (VCV002684009.1), dbSNP rs2468890460, ClinGen allele CA2697548328.